The following is an entry in ClinVar:

NM_001319074.4(RAX2):c.430G>T (p.Ala144Ser)

Gene: RAX2 (retina and anterior neural fold homeobox 2; minus strand). Cytogenetic location: 19p13.3.
Variant type: single nucleotide variant.
Coding change: c.430G>T on transcript NM_001319074.4 (MANE Select); coding-DNA position 430, G replaced by T.
Protein change: p.Ala144Ser; replaces alanine 144 with serine.
Molecular consequence: missense variant.
Genome position (GRCh38, 1-based): chr19:3,770,746, C>A on the plus strand (G>T on the coding strand, the complement: RAX2 is on the minus strand). VCF-style: chr19-3770746-C-A. GRCh37 (hg19) VCF-style: chr19-3770744-C-A.
Other names: c.430G>T (NM_032753.3); c.430G>T, p.Ala144Ser (NM_032753.4); short protein forms A144S.
Identifiers: ClinVar variation 1058480 (VCV001058480.11), dbSNP rs113176673, ClinGen allele CA304416658.

ClinVar aggregate classification (germline): Conflicting classifications of pathogenicity. Review status: criteria provided, conflicting classifications (1 of 4 stars). 4 submissions from 4 submitters: Uncertain significance (3); Likely benign (1). Last evaluated 2026-08-26.

Conditions:
RAX2-related disorder. Also called: RAX2-related disorders; RAX2-related condition.

Allele frequency attached by ClinVar (database versions not stated): gnomAD exomes 0.00003; TOPMed 0.00013.

Submissions (4):

PreventionGenetics, part of Exact Sciences
Classification: Uncertain significance for RAX2-related condition. Last evaluated: 2026-08-26. Review status: criteria provided, single submitter. Criteria: ACMG Guidelines, 2015. Collection method: clinical testing. Allele origin: germline.
Comment: The RAX2 c.430G>T variant is predicted to result in the amino acid substitution p.Ala144Ser. To our knowledge, this variant has not been reported in the literature. This variant is reported in 0.070% of alleles in individuals of African descent in gnomAD, which may be too common to be an unreported cause of disease. Although we suspect that this variant may be benign, at this time, the clinical significance of this variant is uncertain due to the absence of conclusive functional and genetic evidence.

Labcorp Genetics (formerly Invitae), Labcorp
Classification: Uncertain significance. Last evaluated: 2026-01-18. Review status: criteria provided, single submitter. Criteria: Invitae Variant Classification Sherloc (09022015). Collection method: clinical testing. Allele origin: germline.
Comment: This sequence change replaces alanine, which is neutral and non-polar, with serine, which is neutral and polar, at codon 144 of the RAX2 protein (p.Ala144Ser). This variant is present in population databases (rs113176673, gnomAD 0.06%). This variant has not been reported in the literature in individuals affected with RAX2-related conditions. ClinVar contains an entry for this variant (Variation ID: 1058480). An algorithm developed to predict the effect of missense changes on protein structure and function (PolyPhen-2) suggests that this variant is likely to be tolerated. In summary, the available evidence is currently insufficient to determine the role of this variant in disease. Therefore, it has been classified as a Variant of Uncertain Significance.

Blueprint Genetics
Classification: Likely benign. Last evaluated: 2024-09-06. Review status: criteria provided, single submitter. Criteria: ACMG Guidelines, 2015. Collection method: clinical testing. Allele origin: germline.

Ambry Genetics
Classification: Uncertain significance. Last evaluated: 2024-08-20. Review status: criteria provided, single submitter. Criteria: Ambry Variant Classification Scheme 2023. Collection method: clinical testing. Allele origin: germline.